The following is an entry in ClinVar:

ClinVar aggregate classification (germline): Pathogenic (1 of 4 stars; one submission).

Conditions:
Osteogenesis imperfecta type I (OI1). Also called: OI, TYPE I; OSTEOGENESIS IMPERFECTA TARDA; OSTEOGENESIS IMPERFECTA WITH BLUE SCLERAE; Osteogenesis imperfecta type 1; Lobstein disease; Classic Non-deforming Osteogenesis Imperfecta with Blue Sclerae. Identifiers: Orphanet 216796, Orphanet 666, MedGen C0023931, MONDO:0008146, OMIM 166200. Disease mechanism: loss of function.

Submission:

Labcorp Genetics (formerly Invitae), Labcorp
Classification: Pathogenic for Osteogenesis imperfecta type I. Last evaluated: 2022-11-01. Review status: criteria provided, single submitter. Criteria: Invitae Variant Classification Sherloc (09022015). Collection method: clinical testing. Allele origin: germline.
Comment: This sequence change creates a premature translational stop signal (p.Ala1017Leufs*91) in the COL1A1 gene. It is expected to result in an absent or disrupted protein product. Loss-of-function variants in COL1A1 are known to be pathogenic (PMID: 7942841, 9295084, 9443882). ClinVar contains an entry for this variant (Variation ID: 1394032). Algorithms developed to predict the effect of sequence changes on RNA splicing suggest that this variant may disrupt the consensus splice site. For these reasons, this variant has been classified as Pathogenic. This variant is not present in population databases (gnomAD no frequency). This variant has not been reported in the literature in individuals affected with COL1A1-related conditions. This variant is also known as c.3045+1del.

Literature cited by the submitters: PubMed 7942841; PubMed 9295084; PubMed 9443882.

NM_000088.4(COL1A1):c.3045+1del

Gene: COL1A1 (collagen type I alpha 1 chain; minus strand). Cytogenetic location: 17q21.33.
Variant type: Deletion.
Coding change: c.3045+1del on transcript NM_000088.4 (MANE Select); the canonical splice donor site of the intron after coding-DNA position 3045, one base deleted (G; older notation c.3045+1delG).
Molecular consequence: splice donor variant.
Genome position (GRCh38, 1-based): chr17:50,188,902, C deleted on the plus strand (G on the coding strand, the reverse complement: COL1A1 is on the minus strand); the first of 2 consecutive C bases (chr17:50,188,902-50,188,903); deleting either gives the same sequence. VCF-style (leftmost placement, unchanged base first): chr17-50188901-AC-A. GRCh37 (hg19) VCF-style: chr17-48266262-AC-A.
Identifiers: ClinVar variation 1394032 (VCV001394032.6), dbSNP rs2144547449, ClinGen allele CA2573154203.